The following is an entry in ClinVar:

ClinVar aggregate classification (germline): Likely pathogenic (1 of 4 stars; one submission).

Submission:

Genetics Laboratory, UDIAT-Centre Diagnòstic, Hospital Universitari Parc Tauli
Classification: Likely pathogenic. Last evaluated: 2021-04-26. Review status: criteria provided, single submitter. Criteria: Parc Tauli Hospital Assertion Criteria 2021. Collection method: clinical testing. Allele origin: unknown. Inheritance: Autosomal dominant inheritance. Affected: yes. Observed: 1 heterozygote.
Comment: PM1_moderate;PM2_supporting;PM4_moderate;PP3_supporting

NM_001009944.3(PKD1):c.5977_5979del (p.Thr1993del)

Gene: PKD1 (polycystin 1, transient receptor potential channel interacting; minus strand). Cytogenetic location: 16p13.3.
Variant type: Deletion.
Coding change: c.5977_5979del on transcript NM_001009944.3 (MANE Select); coding-DNA positions 5977 to 5979, 3 bases deleted (ACA; older notation c.5977_5979delACA).
Protein change: p.Thr1993del; deletes threonine 1993.
Molecular consequence: inframe deletion.
Genome position (GRCh38, 1-based): chr16:2,109,188-2,109,190, TGT deleted on the plus strand (ACA on the coding strand, the reverse complement: PKD1 is on the minus strand). VCF-style (leftmost placement, unchanged base first): chr16-2109187-CTGT-C. GRCh37 (hg19) VCF-style: chr16-2159188-CTGT-C.
Other names: c.5977_5979del, p.Thr1993del (NM_000296.4); short protein forms T1993del.
Identifiers: ClinVar variation 1098409 (VCV001098409.2), dbSNP rs2151790460, ClinGen allele CA2499223380.
Genomic context (GRCh38, chr16:2,109,187, plus strand): 5'-GGACCTTCTGCAGCGAGAAGTACCAGGCGTAGGCGACCCGAGAGCCGCGCTGCACGCGGG[CTGT>C]GAAGTTCCTCTCAGTGCCCGTGGCGATGCCAGGCTCGCAGCAGTTGGGCACCTGCAGCCC-3'